The following is an entry in ClinVar:

ClinVar aggregate classification (germline): Uncertain significance (1 of 4 stars; one submission).

Conditions:
Cardiovascular phenotype. Identifiers: MedGen CN230736.

Submission:

Ambry Genetics
Classification: Uncertain significance for Cardiovascular phenotype. Last evaluated: 2026-06-09. Review status: criteria provided, single submitter. Criteria: Ambry Variant Classification Scheme 2023. Collection method: clinical testing. Allele origin: germline.
Comment: The p.I2455K variant (also known as c.7364T>A), located in coding exon 31 of the AKAP9 gene, results from a T to A substitution at nucleotide position 7364. The isoleucine at codon 2455 is replaced by lysine, an amino acid with dissimilar properties. This amino acid position is conserved. In addition, this alteration is predicted to be tolerated by in silico analysis. Based on the available evidence, the clinical significance of this variant remains unclear.

NM_005751.5(AKAP9):c.7364T>A (p.Ile2455Lys)

Gene: AKAP9 (A-kinase anchoring protein 9; plus strand). Cytogenetic location: 7q21.2.
Variant type: single nucleotide variant.
Coding change: c.7364T>A on transcript NM_005751.5 (MANE Select); coding-DNA position 7364, T replaced by A.
Protein change: p.Ile2455Lys; replaces isoleucine 2455 with lysine.
Molecular consequence: missense variant.
Genome position (GRCh38, 1-based): chr7:92,079,497, T>A. VCF-style: chr7-92079497-T-A. GRCh37 (hg19) VCF-style: chr7-91708811-T-A.
Other names: c.2009T>A, p.Ile670Lys (NM_001379277.1); c.7340T>A, p.Ile2447Lys (NM_147185.3); short protein forms I2447K, I2455K, I670K.
Identifiers: ClinVar variation 4869151 (VCV004869151.1).